The following is an entry in ClinVar:

NM_138395.4(MARS2):c.748C>T (p.Leu250=)

Gene: MARS2 (methionyl-tRNA synthetase 2, mitochondrial; plus strand). Cytogenetic location: 2q33.1.
Variant type: single nucleotide variant.
Coding change: c.748C>T on transcript NM_138395.4 (MANE Select); coding-DNA position 748, C replaced by T.
Protein change: p.Leu250=; no amino-acid change (leucine 250 retained).
Molecular consequence: synonymous variant.
Genome position (GRCh38, 1-based): chr2:197,706,153, C>T. VCF-style: chr2-197706153-C-T. GRCh37 (hg19) VCF-style: chr2-198570877-C-T.
Identifiers: ClinVar variation 378110 (VCV000378110.25), dbSNP rs61749522, ClinGen allele CA2044632.

ClinVar aggregate classification (germline): Benign/Likely benign. Review status: criteria provided, multiple submitters, no conflicts (2 of 4 stars). 6 submissions from 6 submitters: Benign (3); Likely benign (2). 1 of the submissions does not count toward it. Last evaluated 2026-06-01.

Conditions:
MARS2-related disorder. Also called: MARS2-related condition.

Allele frequency attached by ClinVar (database versions not stated): gnomAD exomes 0.00044 and 0.00115; ExAC 0.00137; 1000 Genomes Project 30x 0.00375; gnomAD 0.00406 and 0.00435; ESP Exome Variant Server 0.00415; TOPMed 0.00424; 1000 Genomes Project 0.00439.

Submissions (6):

CeGaT Center for Human Genetics Tuebingen
Classification: Likely benign. Last evaluated: 2026-06-01. Review status: criteria provided, single submitter. Criteria: CeGaT Center For Human Genetics Tuebingen Variant Classification Criteria Version 2. Collection method: clinical testing. Allele origin: germline. Affected: yes. Observed: 3 variant alleles.
Comment: MARS2: BP4, BS1

Labcorp Genetics (formerly Invitae), Labcorp
Classification: Benign. Last evaluated: 2025-12-12. Review status: criteria provided, single submitter. Criteria: Invitae Variant Classification Sherloc (09022015). Collection method: clinical testing. Allele origin: germline.

Blueprint Genetics
Classification: Likely benign. Last evaluated: 2024-08-12. Review status: criteria provided, single submitter. Criteria: ACMG Guidelines, 2015. Collection method: clinical testing. Allele origin: germline.

GeneDx
Classification: Benign. Last evaluated: 2015-03-16. Review status: criteria provided, single submitter. Criteria: GeneDx Variant Classification (06012015). Collection method: clinical testing. Allele origin: germline. Affected: yes.
Comment: This variant is considered likely benign or benign based on one or more of the following criteria: it is a conservative change, it occurs at a poorly conserved position in the protein, it is predicted to be benign by multiple in silico algorithms, and/or has population frequency not consistent with disease.

Breakthrough Genomics
Classification: Benign. Review status: criteria provided, single submitter. Criteria: ACMG Guidelines, 2015. Collection method: not provided. Allele origin: germline. Inheritance: Autosomal recessive inheritance. Affected: yes.

PreventionGenetics, part of Exact Sciences
Classification: Benign for MARS2-related condition. Last evaluated: 2019-08-13. Review status: no assertion criteria provided. Collection method: clinical testing. Allele origin: germline. Not counted in ClinVar's aggregate classification.
Comment: This variant is classified as benign based on ACMG/AMP sequence variant interpretation guidelines (Richards et al. 2015 PMID: 25741868, with internal and published modifications).